The following is an entry in ClinVar:

ClinVar aggregate classification (germline): Uncertain significance (1 of 4 stars; one submission).

Conditions:
Mendelian susceptibility to mycobacterial diseases due to complete ISG15 deficiency. Also called: IMMUNODEFICIENCY 38, MYCOBACTERIOSIS, AUTOSOMAL RECESSIVE; ISG15 DEFICIENCY, AUTOSOMAL RECESSIVE; Immunodeficiency 38 with basal ganglia calcification; Immunodeficiency 38. Identifiers: Orphanet 319563, MedGen C4015293, MONDO:0014502, OMIM 616126.

Submission:

Labcorp Genetics (formerly Invitae), Labcorp
Classification: Uncertain significance for Immunodeficiency 38 with basal ganglia calcification. Last evaluated: 2019-10-09. Review status: criteria provided, single submitter. Criteria: Invitae Variant Classification Sherloc (09022015). Collection method: clinical testing. Allele origin: germline.
Comment: A gross deletion of the genomic region encompassing the full coding sequence of the ISG15 gene has been identified. The boundaries of this event are unknown as the deletion extends beyond the assayed region for this gene and therefore may encompass additional genes. This variant has not been reported in the literature in individuals with ISG15-related conditions. The current clinical and genetic evidence is not sufficient to establish whether loss-of-function variants in ISG15 cause disease. In summary, the available evidence is currently insufficient to determine the role of this variant in disease. Therefore, it has been classified as a Variant of Uncertain Significance.

NC_000001.11:g.(?_1013554)_(1014498_?)del

Gene: ISG15 (ISG15 ubiquitin like modifier; plus strand). Cytogenetic location: 1p36.33.
Variant type: Deletion.
Identifiers: ClinVar variation 833098 (VCV000833098.1).